The following is an entry in ClinVar:

ClinVar aggregate classification (germline): Pathogenic/Likely pathogenic. Review status: criteria provided, multiple submitters, no conflicts (2 of 4 stars). 3 submissions from 3 submitters: Pathogenic (2); Likely pathogenic (1). Last evaluated 2025-01-24.

Conditions:
GJA8-related disorders.
Cataract 1 multiple types. Also called: CATARACT 1, NUCLEAR PROGRESSIVE; CATARACT 1 WITH MICROCORNEA; CATARACT 1, POSTERIOR SUBCAPSULAR, WITH MICROCORNEA; CATARACT 1, STELLATE NUCLEAR, WITH MICROCORNEA; CATARACT, DUFFY-LINKED; CATARACT 1, MULTIPLE TYPES, WITH OR WITHOUT MICROCORNEA. Identifiers: Orphanet 1377, MedGen C1861828, MONDO:0007285, OMIM 116200.
Inborn genetic diseases. Identifiers: MedGen C0950123, MeSH D030342.

Submissions (3):

Ambry Genetics
Classification: Pathogenic for Inborn genetic diseases. Last evaluated: 2025-01-24. Review status: criteria provided, single submitter. Criteria: Ambry Variant Classification Scheme 2023. Collection method: clinical testing. Allele origin: germline.
Comment: The c.773C>T (p.S258F) alteration is located in exon 2 (coding exon 1) of the GJA8 gene. This alteration results from a C to T substitution at nucleotide position 773, causing the serine (S) at amino acid position 258 to be replaced by a phenylalanine (F). This variant was not reported in population-based cohorts in the Genome Aggregation Database (gnomAD). This variant was identified in one or more individuals with features consistent with autosomal dominant GJA8-related cataract and segregated with disease in at least one family (Gao, 2010; Chen, 2014; Rechsteiner, 2021). This amino acid position is not well conserved in available vertebrate species. In multiple assays testing GJA8 function, this variant showed functionally abnormal results (Minogue, 2022). This alteration is predicted to be deleterious by in silico analysis. Based on the available evidence, this alteration is classified as pathogenic.

Dept. Genetics and Cancer, Menzies Institute for Medical Research, University of Tasmania
Classification: Likely pathogenic for Cataract 1 multiple types. Last evaluated: 2023-01-21. Review status: criteria provided, single submitter. Criteria: ACMG Guidelines, 2015. Collection method: curation. Allele origin: germline. Affected: yes.
Comment: Variant identified and curated during a GJA8 specific review of the literature in relation to pediatric or congenital cataract. ACMG-AMP criteria applied: PP1(Strong), PS4(Supporting), PM2(Supporting), PP3. Original variant report: PMID:20597646;25301372;30076350;34014271. The cataract phenotype/s reported for this variant are: Nuclear, and Pulverulent nuclear. Gene review and curation guidelines are outlined in: DOI 10.1080/17469899.2023.2160320

Blueprint Genetics
Classification: Pathogenic for GJA8-related disorders. Last evaluated: 2019-10-28. Review status: criteria provided, single submitter. Criteria: ACMG Guidelines, 2015. Collection method: clinical testing. Allele origin: germline. Affected: yes. Observed: 1 variant allele.

Literature cited by the submitters: PubMed 20597646 (cited by Ambry Genetics and Dept. Genetics and Cancer, Menzies Institute for Medical Research, University of Tasmania); PubMed 25301372 (cited by Ambry Genetics and Dept. Genetics and Cancer, Menzies Institute for Medical Research, University of Tasmania); PubMed 34014271 (cited by Ambry Genetics and Dept. Genetics and Cancer, Menzies Institute for Medical Research, University of Tasmania); PubMed 35120923 (cited by Ambry Genetics); PubMed 30076350 (cited by Dept. Genetics and Cancer, Menzies Institute for Medical Research, University of Tasmania).

NM_005267.5(GJA8):c.773C>T (p.Ser258Phe)

Gene: GJA8 (gap junction protein alpha 8; plus strand). Cytogenetic location: 1q21.2.
Variant type: single nucleotide variant.
Coding change: c.773C>T on transcript NM_005267.5 (MANE Select); coding-DNA position 773, C replaced by T.
Protein change: p.Ser258Phe; replaces serine 258 with phenylalanine.
Molecular consequence: missense variant.
Genome position (GRCh38, 1-based): chr1:147,908,728, C>T. VCF-style: chr1-147908728-C-T. GRCh37 (hg19) VCF-style: chr1-147380855-C-T.
Other names: c.773C>T (NM_005267.4); short protein forms S258F.
Identifiers: ClinVar variation 3253671 (VCV003253671.3), dbSNP rs2524893038.